The following is an entry in ClinVar:

NM_001283009.2(RTEL1):c.302-6G>C

Genes: RTEL1 (regulator of telomere elongation helicase 1; plus strand), RTEL1-TNFRSF6B (RTEL1-TNFRSF6B readthrough (NMD candidate); plus strand). Cytogenetic location: 20q13.33.
Variant type: single nucleotide variant.
Coding change: c.302-6G>C on transcript NM_001283009.2 (MANE Select); 6 bases into the intron before coding-DNA position 302, G replaced by C.
Molecular consequence: intron variant.
Genome position (GRCh38, 1-based): chr20:63,661,844, G>C. VCF-style: chr20-63661844-G-C. GRCh37 (hg19) VCF-style: chr20-62293197-G-C.
Other names: c.-368-6G>C (NM_001283010.1); c.302-6G>C (NM_032957.5, NM_016434.4).
Identifiers: ClinVar variation 2941392 (VCV002941392.3), dbSNP rs2516994357, ClinGen allele CA2740094629.

ClinVar aggregate classification (germline): Uncertain significance (1 of 4 stars; one submission).

Conditions:
Dyskeratosis congenita, autosomal recessive 5 (DKCB5). Identifiers: MedGen C3554656, MONDO:0014076, OMIM 615190.
Pulmonary fibrosis and/or bone marrow failure, Telomere-related, 3. Also called: PULMONARY FIBROSIS AND/OR BONE MARROW FAILURE SYNDROME, TELOMERE-RELATED, 3. Identifiers: Orphanet 2032, MedGen C4225346, MONDO:0014613, OMIM 616373.

Submission:

Labcorp Genetics (formerly Invitae), Labcorp
Classification: Uncertain significance for Dyskeratosis congenita, autosomal recessive 5; Pulmonary fibrosis and/or bone marrow failure, Telomere-related, 3. Last evaluated: 2022-11-10. Review status: criteria provided, single submitter. Criteria: Invitae Variant Classification Sherloc (09022015). Collection method: clinical testing. Allele origin: germline.
Comment: In summary, the available evidence is currently insufficient to determine the role of this variant in disease. Therefore, it has been classified as a Variant of Uncertain Significance. Algorithms developed to predict the effect of sequence changes on RNA splicing suggest that this variant may create or strengthen a splice site. This variant has not been reported in the literature in individuals affected with RTEL1-related conditions. This variant is not present in population databases (gnomAD no frequency). This sequence change falls in intron 3 of the RTEL1 gene. It does not directly change the encoded amino acid sequence of the RTEL1 protein.